The following is an entry in ClinVar:

ClinVar aggregate classification (germline): Likely benign. Review status: criteria provided, multiple submitters, no conflicts (2 of 4 stars). 2 submissions from 2 submitters: Likely benign (2). Last evaluated 2022-11-01.

Conditions:
Early-infantile DEE. Also called: Early infantile epileptic encephalopathy with suppression bursts; Ohtahara syndrome; Early infantile epileptic encephalopathy. Identifiers: Orphanet 1934, MedGen C0393706, MONDO:0800491.

Allele frequency attached by ClinVar (database versions not stated): gnomAD exomes below 0.00001 and 0.00001; ExAC 0.00001; gnomAD 0.00001; TOPMed 0.00001.
gnomAD v4.1: 8 of 1,595,288 alleles (0.0005%); highest among the groups gnomAD compares: Non-Finnish European, 0.00069%; no homozygotes.

Submissions (2):

Labcorp Genetics (formerly Invitae), Labcorp
Classification: Likely benign for Early-infantile DEE. Last evaluated: 2022-11-01. Review status: criteria provided, single submitter. Criteria: Invitae Variant Classification Sherloc (09022015). Collection method: clinical testing. Allele origin: germline.

GeneDx
Classification: Likely benign. Last evaluated: 2016-07-08. Review status: criteria provided, single submitter. Criteria: GeneDx Variant Classification (06012015). Collection method: clinical testing. Allele origin: germline. Affected: yes.
Comment: This variant is considered likely benign or benign based on one or more of the following criteria: it is a conservative change, it occurs at a poorly conserved position in the protein, it is predicted to be benign by multiple in silico algorithms, and/or has population frequency not consistent with disease.

NM_001330260.2(SCN8A):c.396-5T>C

Gene: SCN8A (sodium voltage-gated channel alpha subunit 8; plus strand). Cytogenetic location: 12q13.13.
Variant type: single nucleotide variant.
Coding change: c.396-5T>C on transcript NM_001330260.2 (MANE Select); 5 bases into the intron before coding-DNA position 396, T replaced by C.
Molecular consequence: intron variant.
Genome position (GRCh38, 1-based): chr12:51,686,363, T>C. VCF-style: chr12-51686363-T-C. GRCh37 (hg19) VCF-style: chr12-52080147-T-C.
Other names: c.396-5T>C (NM_014191.4, NM_001177984.3, NM_001369788.1).
Identifiers: ClinVar variation 387539 (VCV000387539.9), dbSNP rs764928471, ClinGen allele CA6571059.